The following is an entry in ClinVar:

NM_002150.3(HPD):c.146del (p.Gly49fs)

Genes: TIALD (transcript inducer of AURKA lysosomal degradation; plus strand), HPD (4-hydroxyphenylpyruvate dioxygenase; minus strand). Cytogenetic location: 12q24.31.
Variant type: Deletion.
Coding change: c.146del on transcript NM_002150.3 (MANE Select); coding-DNA position 146, one base deleted (G; older notation c.146delG).
Protein change: p.Gly49fs; shifts the reading frame from glycine 49.
Molecular consequence: frameshift variant.
Genome position (GRCh38, 1-based): chr12:121,857,380, C deleted on the plus strand (G on the coding strand, the reverse complement: HPD is on the minus strand); the first of 4 consecutive C bases (chr12:121,857,380-121,857,383); deleting any one gives the same sequence. VCF-style (leftmost placement, unchanged base first): chr12-121857379-GC-G. GRCh37 (hg19) VCF-style: chr12-122295285-GC-G.
Other names: c.29del, p.Gly10fs (NM_001171993.2); short protein forms G49fs, G10fs.
Identifiers: ClinVar variation 2946803 (VCV002946803.3), dbSNP rs2500327527, ClinGen allele CA2740097608.

ClinVar aggregate classification (germline): Pathogenic (1 of 4 stars; one submission).

Conditions:
Hawkinsinuria. Identifiers: Orphanet 2118, MedGen C2931042, MONDO:0007700, OMIM 140350, HP:0034457.
Tyrosinemia type III. Also called: Tyrosinemia type 3; 4-alpha hydroxyphenylpyruvic acid oxidase deficiency; 4-alpha hydroxyphenylpyruvate dioxygenase deficiency; 4-Hydroxyphenylpyruvate dioxygenase deficiency; 4-HYDROXYPHENYLPYRUVIC ACID OXIDASE DEFICIENCY. Identifiers: Orphanet 69723, MedGen C0268623, MONDO:0010162, OMIM 276710.

Submission:

Labcorp Genetics (formerly Invitae), Labcorp
Classification: Pathogenic for Tyrosinemia type III; Hawkinsinuria. Last evaluated: 2023-04-15. Review status: criteria provided, single submitter. Criteria: Invitae Variant Classification Sherloc (09022015). Collection method: clinical testing. Allele origin: germline.
Comment: This variant has not been reported in the literature in individuals affected with HPD-related conditions. For these reasons, this variant has been classified as Pathogenic. Algorithms developed to predict the effect of sequence changes on RNA splicing suggest that this variant may disrupt the consensus splice site. This variant is not present in population databases (gnomAD no frequency). This sequence change creates a premature translational stop signal (p.Gly49Alafs*13) in the HPD gene. It is expected to result in an absent or disrupted protein product. Loss-of-function variants in HPD are known to be pathogenic (PMID: 10942115, 23036342).

Literature cited by the submitters: PubMed 10942115; PubMed 23036342.